The following is an entry in ClinVar:

NM_001012720.2(RGR):c.253T>C (p.Ser85Pro)

Gene: RGR (retinal G protein coupled receptor; plus strand). Cytogenetic location: 10q23.1.
Variant type: single nucleotide variant.
Coding change: c.253T>C on transcript NM_001012720.2 (MANE Select); coding-DNA position 253, T replaced by C.
Protein change: p.Ser85Pro; replaces serine 85 with proline.
Molecular consequence: missense variant.
Genome position (GRCh38, 1-based): chr10:84,248,938, T>C. VCF-style: chr10-84248938-T-C. GRCh37 (hg19) VCF-style: chr10-86008694-T-C.
Other names: c.253T>C, p.Ser85Pro (NM_001012722.2); c.265T>C, p.Ser89Pro (NM_002921.4); c.253T>C (NM_001012720.1); short protein forms S85P, S89P.
Identifiers: ClinVar variation 1959165 (VCV001959165.6), dbSNP rs1284206005, ClinGen allele CA377391056.

ClinVar aggregate classification (germline): Uncertain significance. Review status: criteria provided, multiple submitters, no conflicts (2 of 4 stars). 2 submissions from 2 submitters: Uncertain significance (2). Last evaluated 2025-10-23.

Allele frequency attached by ClinVar (database versions not stated): gnomAD exomes below 0.00001; gnomAD 0.00001; TOPMed 0.00001.
gnomAD v4.1: 4 of 1,614,156 alleles (0.00025%); highest among the groups gnomAD compares: Middle Eastern, 0.016%; no homozygotes.

Submissions (2):

Ambry Genetics
Classification: Uncertain significance. Last evaluated: 2025-10-23. Review status: criteria provided, single submitter. Criteria: Ambry Variant Classification Scheme 2023. Collection method: clinical testing. Allele origin: germline.

Labcorp Genetics (formerly Invitae), Labcorp
Classification: Uncertain significance. Last evaluated: 2022-09-10. Review status: criteria provided, single submitter. Criteria: Invitae Variant Classification Sherloc (09022015). Collection method: clinical testing. Allele origin: germline.
Comment: In summary, the available evidence is currently insufficient to determine the role of this variant in disease. Therefore, it has been classified as a Variant of Uncertain Significance. Algorithms developed to predict the effect of missense changes on protein structure and function output the following: SIFT: "Tolerated"; PolyPhen-2: "Not Available"; Align-GVGD: "Class C0". The proline amino acid residue is found in multiple mammalian species, which suggests that this missense change does not adversely affect protein function. This variant has not been reported in the literature in individuals affected with RGR-related conditions. This variant is not present in population databases (gnomAD no frequency). This sequence change replaces serine, which is neutral and polar, with proline, which is neutral and non-polar, at codon 85 of the RGR protein (p.Ser85Pro).